The following is an entry in ClinVar:

ClinVar aggregate classification (germline): Uncertain significance. Review status: criteria provided, multiple submitters, no conflicts (2 of 4 stars). 4 submissions from 4 submitters: Uncertain significance (3). 1 of the submissions does not count toward it. Last evaluated 2025-09-07.

Conditions:
Bloom syndrome (BLM). Also called: Bloom-Torre-Machacek syndrome. Identifiers: Orphanet 125, MedGen C0005859, MONDO:0008876, OMIM 210900.
Hereditary cancer-predisposing syndrome. Also called: Neoplastic Syndromes, Hereditary; Tumor predisposition; Hereditary Cancer Syndrome; Hereditary neoplastic syndrome. Identifiers: Orphanet 140162, MedGen C0027672, MeSH D009386, MONDO:0015356.

Allele frequency attached by ClinVar (database versions not stated): gnomAD exomes 0.00001.

Submissions (4):

Ambry Genetics
Classification: Uncertain significance for Hereditary cancer-predisposing syndrome. Last evaluated: 2025-09-07. Review status: criteria provided, single submitter. Criteria: Ambry Variant Classification Scheme 2023. Collection method: clinical testing. Allele origin: germline.
Comment: The p.M1190T variant (also known as c.3569T>C), located in coding exon 18 of the BLM gene, results from a T to C substitution at nucleotide position 3569. The methionine at codon 1190 is replaced by threonine, an amino acid with similar properties. This amino acid position is not well conserved in available vertebrate species. In addition, this alteration is predicted to be tolerated by in silico analysis. Since supporting evidence is limited at this time, the clinical significance of this alteration remains unclear.

Labcorp Genetics (formerly Invitae), Labcorp
Classification: Uncertain significance for Bloom syndrome. Last evaluated: 2024-12-23. Review status: criteria provided, single submitter. Criteria: Invitae Variant Classification Sherloc (09022015). Collection method: clinical testing. Allele origin: germline.
Comment: This sequence change replaces methionine, which is neutral and non-polar, with threonine, which is neutral and polar, at codon 1190 of the BLM protein (p.Met1190Thr). This variant is not present in population databases (gnomAD no frequency). This variant has not been reported in the literature in individuals affected with BLM-related conditions. ClinVar contains an entry for this variant (Variation ID: 485339). Invitae Evidence Modeling of protein sequence and biophysical properties (such as structural, functional, and spatial information, amino acid conservation, physicochemical variation, residue mobility, and thermodynamic stability) indicates that this missense variant is not expected to disrupt BLM protein function with a negative predictive value of 80%. In summary, the available evidence is currently insufficient to determine the role of this variant in disease. Therefore, it has been classified as a Variant of Uncertain Significance.

Sema4
Classification: Uncertain significance for Hereditary cancer-predisposing syndrome. Last evaluated: 2021-11-15. Review status: criteria provided, single submitter. Criteria: Sema4 Curation Guidelines. Collection method: curation. Allele origin: germline.
Comment: To the best of our knowledge, the BLM c.3569T>C (p.M1190T) variant has not been reported in individuals with BLM-related disease. It was observed in 2/113452 chromosomes of the Non-Finnish European subpopulation, with no homozygotes, in the large and broad cohorts of the Genome Aggregation Database (PMID: 32461654). The variant has been reported in ClinVar (Variation ID: 485339). In silico tools suggest the impact of the variant on protein function is benign, though these predictions have not been confirmed by functional studies. The evidence is insufficient to meet ACMG/AMP criteria for classifying the variant as benign or pathogenic. Thus, the clinical significance of this variant is currently uncertain.

Natera, Inc.
Classification: Uncertain significance for Bloom syndrome. Last evaluated: 2019-02-24. Review status: no assertion criteria provided. Collection method: clinical testing. Allele origin: germline. Not counted in ClinVar's aggregate classification.

NM_000057.4(BLM):c.3569T>C (p.Met1190Thr)

Gene: BLM (BLM RecQ like helicase; plus strand). Cytogenetic location: 15q26.1.
Variant type: single nucleotide variant.
Coding change: c.3569T>C on transcript NM_000057.4 (MANE Select); coding-DNA position 3569, T replaced by C.
Protein change: p.Met1190Thr; replaces methionine 1190 with threonine.
Molecular consequence: missense variant. On other transcripts: intron variant (1).
Genome position (GRCh38, 1-based): chr15:90,804,177, T>C. VCF-style: chr15-90804177-T-C. GRCh37 (hg19) VCF-style: chr15-91347407-T-C.
Other names: c.3569T>C (LRG_20t1); c.3569T>C, p.Met1190Thr (NM_001287246.2); c.2444T>C, p.Met815Thr (NM_001287248.2); c.3359-4960T>C (NM_001287247.2); short protein forms M1190T, M815T.
Identifiers: ClinVar variation 485339 (VCV000485339.19), dbSNP rs1555424373, ClinGen allele CA393847896.
Genomic context (GRCh38, chr15:90,804,177, plus strand): 5'-GTACAAGTGCACATATACCCACTCCTATGATTTGTTTCTCTCTCATAAAGGTAGACTTTA[T>C]GGAAACAGAAAATTCCAGCAGTGTGAAAAAACAAAAAGCGTTAGTAGCAAAAGTGTCTCA-3'
Protein context (NP_000048.1, residues 1180-1200): VLNGNLKVDF[Met1190Thr]ETENSSSVKK